The following is an entry in ClinVar:

NM_001184.4(ATR):c.822G>T (p.Leu274Phe)

Gene: ATR (ATR checkpoint kinase; minus strand). Cytogenetic location: 3q23.
Variant type: single nucleotide variant.
Coding change: c.822G>T on transcript NM_001184.4 (MANE Select); coding-DNA position 822, G replaced by T.
Protein change: p.Leu274Phe; replaces leucine 274 with phenylalanine.
Molecular consequence: missense variant.
Genome position (GRCh38, 1-based): chr3:142,562,580, C>A on the plus strand (G>T on the coding strand, the complement: ATR is on the minus strand). VCF-style: chr3-142562580-C-A. GRCh37 (hg19) VCF-style: chr3-142281422-C-A.
Other names: c.822G>T, p.Leu274Phe (NM_001354579.2); short protein forms L274F.
Identifiers: ClinVar variation 1005222 (VCV001005222.9), dbSNP rs185813423, ClinGen allele CA2650722.

ClinVar aggregate classification (germline): Conflicting classifications of pathogenicity. Review status: criteria provided, conflicting classifications (1 of 4 stars). 3 submissions from 3 submitters: Uncertain significance (1); Benign (1); Likely benign (1). Last evaluated 2025-02-16.

Allele frequency attached by ClinVar (database versions not stated): TOPMed 0.00003; ESP Exome Variant Server 0.00008; gnomAD exomes 0.00009 and 0.00019; gnomAD 0.00011 and 0.00013; 1000 Genomes Project 30x 0.00016; ExAC 0.00017; 1000 Genomes Project 0.00020.
gnomAD v4.1: 147 of 1,613,756 alleles (0.0091%); highest among the groups gnomAD compares: Non-Finnish European, 0.0054%; 1 homozygote.

Submissions (3):

Laboratory of Genetics, Children's Clinical University Hospital Latvia
Classification: Benign. Last evaluated: 2025-02-16. Review status: criteria provided, single submitter. Criteria: ACMG Guidelines, 2015. Collection method: clinical testing. Allele origin: germline. Affected: yes.

Blueprint Genetics
Classification: Likely benign. Last evaluated: 2024-05-07. Review status: criteria provided, single submitter. Criteria: ACMG Guidelines, 2015. Collection method: clinical testing. Allele origin: germline.

Labcorp Genetics (formerly Invitae), Labcorp
Classification: Uncertain significance. Last evaluated: 2023-12-10. Review status: criteria provided, single submitter. Criteria: Invitae Variant Classification Sherloc (09022015). Collection method: clinical testing. Allele origin: germline.
Comment: This sequence change replaces leucine, which is neutral and non-polar, with phenylalanine, which is neutral and non-polar, at codon 274 of the ATR protein (p.Leu274Phe). This variant is present in population databases (rs185813423, gnomAD 0.1%). This variant has not been reported in the literature in individuals affected with ATR-related conditions. ClinVar contains an entry for this variant (Variation ID: 1005222). Algorithms developed to predict the effect of missense changes on protein structure and function output the following: SIFT: "Not Available"; PolyPhen-2: "Benign"; Align-GVGD: "Not Available". The phenylalanine amino acid residue is found in multiple mammalian species, which suggests that this missense change does not adversely affect protein function. In summary, the available evidence is currently insufficient to determine the role of this variant in disease. Therefore, it has been classified as a Variant of Uncertain Significance.